The following is an entry in ClinVar:

NM_015465.5(GEMIN5):c.3040C>T (p.Arg1014Trp)

Gene: GEMIN5 (gem nuclear organelle associated protein 5; minus strand). Cytogenetic location: 5q33.2.
Variant type: single nucleotide variant.
Coding change: c.3040C>T on transcript NM_015465.5 (MANE Select); coding-DNA position 3040, C replaced by T.
Protein change: p.Arg1014Trp; replaces arginine 1014 with tryptophan.
Molecular consequence: missense variant.
Genome position (GRCh38, 1-based): chr5:154,899,285, G>A on the plus strand (C>T on the coding strand, the complement: GEMIN5 is on the minus strand). VCF-style: chr5-154899285-G-A. GRCh37 (hg19) VCF-style: chr5-154278845-G-A.
Other names: c.3037C>T, p.Arg1013Trp (NM_001252156.2); short protein forms R1013W, R1014W.
Identifiers: ClinVar variation 2444257 (VCV002444257.1), dbSNP rs768353429, ClinGen allele CA3528495.

ClinVar aggregate classification (germline): Uncertain significance (1 of 4 stars; one submission).

Conditions:
Neurodevelopmental disorder with cerebellar atrophy and motor dysfunction. Identifiers: MedGen C5543427, MONDO:0859152, OMIM 619333.

Allele frequency attached by ClinVar (database versions not stated): gnomAD exomes 0.00002; ExAC 0.00003; gnomAD 0.00003; TOPMed 0.00003.
gnomAD v4.1: 28 of 1,611,258 alleles (0.0017%); highest among the groups gnomAD compares: East Asian, 0.0067%; no homozygotes.

Submission:

3billion
Classification: Uncertain significance for Neurodevelopmental disorder with cerebellar atrophy and motor dysfunction. Last evaluated: 2023-02-23. Review status: criteria provided, single submitter. Criteria: ACMG Guidelines, 2015. Collection method: clinical testing. Allele origin: unknown. Affected: yes.
Comment: The variant is observed at an extremely low frequency in the gnomAD v2.1.1 dataset (total allele frequency: 0.002%). In silico tool predictions suggest damaging effect of the variant on gene or gene product (REVEL: 0.69). Therefore, this variant is classified as VUS according to the recommendation of ACMG/AMP guideline.